The following is an entry in ClinVar:

ClinVar aggregate classification (germline): Uncertain significance (1 of 4 stars; one submission).

Conditions:
Primary ciliary dyskinesia. Also called: Ciliary dyskinesia. Identifiers: Orphanet 244, MedGen C0008780, MONDO:0016575, HP:0012265.

Submission:

Labcorp Genetics (formerly Invitae), Labcorp
Classification: Uncertain significance for Primary ciliary dyskinesia. Last evaluated: 2024-04-05. Review status: criteria provided, single submitter. Criteria: Invitae Variant Classification Sherloc (09022015). Collection method: clinical testing. Allele origin: germline.
Comment: This sequence change replaces isoleucine, which is neutral and non-polar, with methionine, which is neutral and non-polar, at codon 2657 of the DNAH11 protein (p.Ile2657Met). This variant is not present in population databases (gnomAD no frequency). This variant has not been reported in the literature in individuals affected with DNAH11-related conditions. Advanced modeling of protein sequence and biophysical properties (such as structural, functional, and spatial information, amino acid conservation, physicochemical variation, residue mobility, and thermodynamic stability) performed at Invitae indicates that this missense variant is not expected to disrupt DNAH11 protein function with a negative predictive value of 95%. In summary, the available evidence is currently insufficient to determine the role of this variant in disease. Therefore, it has been classified as a Variant of Uncertain Significance.

NM_001277115.2(DNAH11):c.7971C>G (p.Ile2657Met)

Gene: DNAH11 (dynein axonemal heavy chain 11; plus strand). Cytogenetic location: 7p15.3.
Variant type: single nucleotide variant.
Coding change: c.7971C>G on transcript NM_001277115.2 (MANE Select); coding-DNA position 7971, C replaced by G.
Protein change: p.Ile2657Met; replaces isoleucine 2657 with methionine.
Molecular consequence: missense variant.
Genome position (GRCh38, 1-based): chr7:21,741,983, C>G. VCF-style: chr7-21741983-C-G. GRCh37 (hg19) VCF-style: chr7-21781601-C-G.
Other names: short protein forms I2657M.
Identifiers: ClinVar variation 3679776 (VCV003679776.2).